The following is an entry in ClinVar:

NM_181458.4(PAX3):c.1371_1376delinsGTCCACC (p.Tyr458fs)

Gene: PAX3 (paired box 3; minus strand). Cytogenetic location: 2q36.1.
Variant type: Indel.
Coding change: c.1371_1376delinsGTCCACC on transcript NM_181458.4 (MANE Select); coding-DNA positions 1371 to 1376, CTACAG replaced by GTCCACC.
Protein change: p.Tyr458fs; shifts the reading frame from tyrosine 458.
Molecular consequence: frameshift variant. On other transcripts: intron variant (2).
Genome position (GRCh38, 1-based): chr2:222,201,988-222,201,993, CTGTAG replaced by GGTGGAC on the plus strand (CTACAG replaced by GTCCACC on the coding strand, the reverse complement: PAX3 is on the minus strand). VCF-style: chr2-222201988-CTGTAG-GGTGGAC. GRCh37 (hg19) VCF-style: chr2-223066707-CTGTAG-GGTGGAC.
Other names: c.1368_1373delinsGTCCACC, p.Tyr457fs (NM_001127366.3); c.1371_1376delinsGTCCACC, p.Tyr458fs (NM_181457.4, NM_181459.4); c.1174-551_1174-546delinsGTCCACC (NM_181460.4, NM_181461.4); short protein forms Y457fs, Y458fs.
Identifiers: ClinVar variation 2631393 (VCV002631393.1), dbSNP rs2469196259, ClinGen allele CA2695197692.

ClinVar aggregate classification (germline): Likely pathogenic (1 of 4 stars; one submission).

Conditions:
PAX3-related disorder. Also called: PAX3-related condition.

Submission:

PreventionGenetics, part of Exact Sciences
Classification: Likely pathogenic for PAX3-related condition. Last evaluated: 2023-07-27. Review status: criteria provided, single submitter. Criteria: ACMG Guidelines, 2015. Collection method: clinical testing. Allele origin: germline.
Comment: The PAX3 c.1371_1376delinsGTCCACC variant is predicted to result in a frameshift and premature protein termination (p.Tyr458Serfs*18). To our knowledge, this variant has not been reported in the literature or in a large population database, indicating this variant is rare. Frameshift variants in PAX3 are expected to be pathogenic. This variant is interpreted as likely pathogenic.